The following is an entry in ClinVar:

NM_001250.6(CD40):c.256+4C>T

Gene: CD40 (CD40 molecule; plus strand). Cytogenetic location: 20q13.12.
Variant type: single nucleotide variant.
Coding change: c.256+4C>T on transcript NM_001250.6 (MANE Select); 4 bases into the intron after coding-DNA position 256, C replaced by T.
Molecular consequence: intron variant.
Genome position (GRCh38, 1-based): chr20:46,122,362, C>T. VCF-style: chr20-46122362-C-T. GRCh37 (hg19) VCF-style: chr20-44751001-C-T.
Other names: c.256+4C>T (NM_152854.4, NM_001322422.2, NM_001302753.2 and 2 more transcripts).
Identifiers: ClinVar variation 1483826 (VCV001483826.3), dbSNP rs759254919, ClinGen allele CA9888402.

ClinVar aggregate classification (germline): Uncertain significance (1 of 4 stars; one submission).

Allele frequency attached by ClinVar (database versions not stated): gnomAD exomes 0.00001 and 0.00003; TOPMed 0.00002; ExAC 0.00003.

Submission:

Labcorp Genetics (formerly Invitae), Labcorp
Classification: Uncertain significance. Last evaluated: 2022-08-09. Review status: criteria provided, single submitter. Criteria: Invitae Variant Classification Sherloc (09022015). Collection method: clinical testing. Allele origin: germline.
Comment: This sequence change falls in intron 3 of the CD40 gene. It does not directly change the encoded amino acid sequence of the CD40 protein. It affects a nucleotide within the consensus splice site. This variant is present in population databases (rs759254919, gnomAD 0.01%). This variant has not been reported in the literature in individuals affected with CD40-related conditions. ClinVar contains an entry for this variant (Variation ID: 1483826). Variants that disrupt the consensus splice site are a relatively common cause of aberrant splicing (PMID: 17576681, 9536098). Algorithms developed to predict the effect of sequence changes on RNA splicing suggest that this variant may disrupt the consensus splice site. In summary, the available evidence is currently insufficient to determine the role of this variant in disease. Therefore, it has been classified as a Variant of Uncertain Significance.

Literature cited by the submitters: PubMed 17576681; PubMed 9536098.